The following is an entry in ClinVar:

NM_005121.3(MED13):c.2703T>A (p.Tyr901Ter)

Gene: MED13 (mediator complex subunit 13; minus strand). Cytogenetic location: 17q23.2.
Variant type: single nucleotide variant.
Coding change: c.2703T>A on transcript NM_005121.3 (MANE Select); coding-DNA position 2703, T replaced by A.
Protein change: p.Tyr901Ter; replaces tyrosine 901 with a stop codon.
Molecular consequence: nonsense.
Genome position (GRCh38, 1-based): chr17:61,984,356, A>T on the plus strand (T>A on the coding strand, the complement: MED13 is on the minus strand). VCF-style: chr17-61984356-A-T. GRCh37 (hg19) VCF-style: chr17-60061717-A-T.
Other names: p.Tyr901Ter; short protein forms Y901*.
Identifiers: ClinVar variation 4820341 (VCV004820341.1).
Genomic context (GRCh38, chr17:61,984,356, plus strand): 5'-TTTTAGAGGTGCAAACATGGAACATCCCACTAGAATTTGACAATTTTCAGGCTTATAGAC[A>T]TAAGAAAAATCCTACAATATAAAGATGGTAGGTTTTCAGTATCTTATCTTCTAGGAGGAA-3'

ClinVar aggregate classification (germline): Likely pathogenic (1 of 4 stars; one submission).

Conditions:
Congenital anomaly of kidney and urinary tract. Also called: Congenital anomalies of the kidney and urinary tract; Congenital anomalies of kidney and urinary tract. Identifiers: Orphanet 93545, MedGen C1968949, MeSH C566906, MONDO:0019719.
Congenital heart disease (CHD). Identifiers: MedGen C0152021, MONDO:0005453. Disease mechanism: unknown.

Submission:

Institute Of Molecular Biology And Genetics, Federal Almazov National Medical Research Centre
Classification: Likely pathogenic for Congenital heart disease; Congenital anomaly of kidney and urinary tract. Last evaluated: 2026-04-01. Review status: criteria provided, single submitter. Criteria: ACMG Guidelines, 2015. Collection method: clinical testing. Allele origin: germline. Affected: yes. Observed: 1 variant allele.
Comment: The variant NM_005121.3:c.2703T>A is a nonsense variant in MED13 gene which is predicted to result in a premature stop codon (p.Tyr901Ter), and likely results in an absent or disrupted protein product (PVS1). Loss-of-function is a known mechanism for MED13-related clinical conditions. The variant c.2703T>A is absent in population databases (no allele frequency in gnomAD) (PM2), and, to our knowledge, has not been previously reported either in ClinVar, or in the literature.